The following is an entry in ClinVar:

NM_001079802.2(FKTN):c.436dup (p.Arg146fs)

Gene: FKTN (fukutin; plus strand). Cytogenetic location: 9q31.2.
Variant type: Duplication.
Coding change: c.436dup on transcript NM_001079802.2 (MANE Select); coding-DNA position 436, one base duplicated (C; older notation c.436dupC).
Protein change: p.Arg146fs; shifts the reading frame from arginine 146.
Molecular consequence: frameshift variant. On other transcripts: non-coding transcript variant (2).
Genome position (GRCh38, 1-based): chr9:105,604,281, C duplicated; the last of 4 consecutive C bases (chr9:105,604,278-105,604,281); duplicating any one gives the same sequence. VCF-style (leftmost placement, unchanged base first): chr9-105604277-T-TC. GRCh37 (hg19) VCF-style: chr9-108366558-T-TC.
Other names: c.436dup, p.Arg146fs (NM_001198963.2, NM_001351496.2, NM_001351498.2 and 1 more transcripts); c.367dup, p.Arg123fs (NM_001351497.2); c.40dup, p.Arg14fs (NM_001351499.2, NM_001351500.2, NM_001351501.2 and 1 more transcripts); short protein forms R123fs, R146fs, R14fs.
Identifiers: ClinVar variation 1724752 (VCV001724752.3), dbSNP rs2539404849, ClinGen allele CA2580079315.

ClinVar aggregate classification (germline): Likely pathogenic (1 of 4 stars; one submission).

Conditions:
Myopathy caused by variation in FKTN. Identifiers: MedGen CN305638, MONDO:0700067.

Submission:

Myriad Genetics, Inc.
Classification: Likely pathogenic for Myopathy caused by variation in FKTN. Last evaluated: 2022-02-25. Review status: criteria provided, single submitter. Criteria: Myriad Autosomal Dominant, Autosomal Recessive and X-Linked Classification Criteria (2023). Collection method: clinical testing. Allele origin: unknown.
Comment: NM_001079802.1(FKTN):c.436dupC(R146Pfs*12) is expected to be pathogenic in the context of FKTN-related disorders. This variant is predicted to lead to an abnormal or absent protein product due to the creation of a premature termination codon in FKTN, a gene where loss-of-function variants are known to be pathogenic. Please note: this variant was assessed in the context of healthy population screening.